The following is an entry in ClinVar:

NM_001394062.1(MACF1):c.12403G>T (p.Val4135Leu)

Gene: MACF1 (microtubule actin crosslinking factor 1; plus strand). Cytogenetic location: 1p34.3.
Variant type: single nucleotide variant.
Coding change: c.12403G>T on transcript NM_001394062.1 (MANE Select); coding-DNA position 12403, G replaced by T.
Protein change: p.Val4135Leu; replaces valine 4135 with leucine.
Molecular consequence: missense variant.
Genome position (GRCh38, 1-based): chr1:39,360,951, G>T. VCF-style: chr1-39360951-G-T. GRCh37 (hg19) VCF-style: chr1-39826623-G-T.
Other names: c.6217G>T, p.Val2073Leu (NM_012090.5); short protein forms V2073L, V4135L.
Identifiers: ClinVar variation 1991367 (VCV001991367.5), dbSNP rs150273938, ClinGen allele CA781796.

ClinVar aggregate classification (germline): Conflicting classifications of pathogenicity. Review status: criteria provided, conflicting classifications (1 of 4 stars). 2 submissions from 2 submitters: Uncertain significance (1); Likely benign (1). Last evaluated 2024-02-24.

Conditions:
Inborn genetic diseases. Identifiers: MedGen C0950123, MeSH D030342.

Allele frequency attached by ClinVar (database versions not stated): ESP Exome Variant Server 0.00015.
gnomAD v4.1: 79 of 1,613,978 alleles (0.0049%); highest among the groups gnomAD compares: Non-Finnish European, 0.0061%; no homozygotes.

Submissions (2):

Labcorp Genetics (formerly Invitae), Labcorp
Classification: Uncertain significance. Last evaluated: 2024-02-24. Review status: criteria provided, single submitter. Criteria: Invitae Variant Classification Sherloc (09022015). Collection method: clinical testing. Allele origin: germline.
Comment: This sequence change replaces valine, which is neutral and non-polar, with leucine, which is neutral and non-polar, at codon 2073 of the MACF1 protein (p.Val2073Leu). The frequency data for this variant in the population databases is considered unreliable, as metrics indicate poor data quality at this position in the gnomAD database. This variant has not been reported in the literature in individuals affected with MACF1-related conditions. ClinVar contains an entry for this variant (Variation ID: 1991367). An algorithm developed to predict the effect of missense changes on protein structure and function (PolyPhen-2) suggests that this variant is likely to be tolerated. In summary, the available evidence is currently insufficient to determine the role of this variant in disease. Therefore, it has been classified as a Variant of Uncertain Significance.

Ambry Genetics
Classification: Likely benign for Inborn genetic diseases. Last evaluated: 2021-05-24. Review status: criteria provided, single submitter. Criteria: Ambry Variant Classification Scheme 2023. Collection method: clinical testing. Allele origin: germline.